The following is an entry in ClinVar:

NM_001184.4(ATR):c.3716T>C (p.Ile1239Thr)

Gene: ATR (ATR serine/threonine kinase; minus strand). Cytogenetic location: 3q23.
Variant type: single nucleotide variant.
Coding change: c.3716T>C on transcript NM_001184.4 (MANE Select); coding-DNA position 3716, T replaced by C.
Protein change: p.Ile1239Thr; replaces isoleucine 1239 with threonine.
Molecular consequence: missense variant.
Genome position (GRCh38, 1-based): chr3:142,538,491, A>G on the plus strand (T>C on the coding strand, the complement: ATR is on the minus strand). VCF-style: chr3-142538491-A-G. GRCh37 (hg19) VCF-style: chr3-142257333-A-G.
Other names: c.3524T>C, p.Ile1175Thr (NM_001354579.2); short protein forms I1239T, I1175T.
Identifiers: ClinVar variation 3462696 (VCV003462696.1).

ClinVar aggregate classification (germline): Uncertain significance (1 of 4 stars; one submission).

Conditions:
Inborn genetic diseases. Identifiers: MedGen C0950123, MeSH D030342.

gnomAD v4.1: 1 of 1,612,414 alleles (0.000062%); highest among the groups gnomAD compares: Non-Finnish European, 0.000085%; no homozygotes.

Submission:

Ambry Genetics
Classification: Uncertain significance for Inborn genetic diseases. Last evaluated: 2024-09-16. Review status: criteria provided, single submitter. Criteria: Ambry Variant Classification Scheme 2023. Collection method: clinical testing. Allele origin: germline.
Comment: The p.I1239T variant (also known as c.3716T>C), located in coding exon 19 of the ATR gene, results from a T to C substitution at nucleotide position 3716. The isoleucine at codon 1239 is replaced by threonine, an amino acid with similar properties. This amino acid position is conserved. In addition, this alteration is predicted to be tolerated by in silico analysis. Based on the available evidence, the clinical significance of this variant remains unclear.